The following is an entry in ClinVar:

NM_001205293.3(CACNA1E):c.6346C>T (p.Arg2116Cys)

Gene: CACNA1E (calcium voltage-gated channel subunit alpha1 E; plus strand). Cytogenetic location: 1q25.3.
Variant type: single nucleotide variant.
Coding change: c.6346C>T on transcript NM_001205293.3 (MANE Select); coding-DNA position 6346, C replaced by T.
Protein change: p.Arg2116Cys; replaces arginine 2116 with cysteine.
Molecular consequence: missense variant.
Genome position (GRCh38, 1-based): chr1:181,796,805, C>T. VCF-style: chr1-181796805-C-T. GRCh37 (hg19) VCF-style: chr1-181765941-C-T.
Other names: c.6217C>T, p.Arg2073Cys (NM_000721.4); c.6160C>T, p.Arg2054Cys (NM_001205294.2); c.6346C>T (NM_001205293.1); short protein forms R2073C, R2054C, R2116C.
Identifiers: ClinVar variation 1434848 (VCV001434848.30), dbSNP rs765523959, ClinGen allele CA1276380.

ClinVar aggregate classification (germline): Likely benign. Review status: criteria provided, multiple submitters, no conflicts (2 of 4 stars). 3 submissions from 3 submitters: Likely benign (3). Last evaluated 2026-04-01.

Conditions:
Inborn genetic diseases. Identifiers: MedGen C0950123, MeSH D030342.

Allele frequency attached by ClinVar (database versions not stated): gnomAD 0.00001; gnomAD exomes 0.00001 and 0.00004; TOPMed 0.00001; ExAC 0.00005.
gnomAD v4.1: 17 of 1,610,130 alleles (0.0011%); highest among the groups gnomAD compares: Admixed American, 0.0067%; no homozygotes.

Submissions (3):

CeGaT Center for Human Genetics Tuebingen
Classification: Likely benign. Last evaluated: 2026-04-01. Review status: criteria provided, single submitter. Criteria: CeGaT Center For Human Genetics Tuebingen Variant Classification Criteria Version 2. Collection method: clinical testing. Allele origin: germline. Affected: yes. Observed: 2 variant alleles.
Comment: CACNA1E: BS1

Labcorp Genetics (formerly Invitae), Labcorp
Classification: Likely benign. Last evaluated: 2025-08-29. Review status: criteria provided, single submitter. Criteria: Invitae Variant Classification Sherloc (09022015). Collection method: clinical testing. Allele origin: germline.

Ambry Genetics
Classification: Likely benign for Inborn genetic diseases. Last evaluated: 2021-10-26. Review status: criteria provided, single submitter. Criteria: Ambry Variant Classification Scheme 2023. Collection method: clinical testing. Allele origin: germline.